The following is an entry in ClinVar:

NM_000458.4(HNF1B):c.345-4C>T

Gene: HNF1B (HNF1 homeobox B; minus strand). Cytogenetic location: 17q12.
Variant type: single nucleotide variant.
Coding change: c.345-4C>T on transcript NM_000458.4 (MANE Select); 4 bases into the intron before coding-DNA position 345, C replaced by T.
Molecular consequence: intron variant.
Genome position (GRCh38, 1-based): chr17:37,739,643, G>A on the plus strand (C>T on the coding strand, the complement: HNF1B is on the minus strand). VCF-style: chr17-37739643-G-A. GRCh37 (hg19) VCF-style: chr17-36099634-G-A.
Other names: c.345-4C>T (NM_001304286.2, NM_001165923.4).
Identifiers: ClinVar variation 598393 (VCV000598393.41), dbSNP rs200590728, ClinGen allele CA8519082.
Genomic context (GRCh38, chr17:37,739,643, plus strand): 5'-ATGTTGTGTTGCTGCATGTAACCCTTGATCATTTTAGCAGCCCTCCAAGGGTCCTCACTA[G>A]ACAGACAAGCAGATGGTTAGGGTACTAGTGGGAGACATCTGGGGAGAAACATTCTTTTTC-3'

ClinVar aggregate classification (germline): Conflicting classifications of pathogenicity. Review status: criteria provided, conflicting classifications (1 of 4 stars). 8 submissions from 8 submitters: Uncertain significance (3); Benign (1); Likely benign (2). 2 of the submissions do not count toward it. Last evaluated 2024-10-24.

Conditions:
Maturity-onset diabetes of the young (MODY). Also called: Maturity onset diabetes mellitus in young. Identifiers: Orphanet 552, MedGen C0342276, MONDO:0018911, HP:0004904.
Renal cysts and diabetes syndrome (RCAD). Also called: MATURITY-ONSET DIABETES OF THE YOUNG, TYPE 5; Familial hypoplastic, glomerulocystic kidney. Identifiers: Orphanet 93111, MedGen C0431693, MONDO:0007669, OMIM 137920.

Allele frequency attached by ClinVar (database versions not stated): TOPMed 0.00011; ExAC 0.00015; ESP Exome Variant Server 0.00015.
gnomAD v4.1: 372 of 1,607,072 alleles (0.023%); highest among the groups gnomAD compares: Non-Finnish European, 0.031%; no homozygotes.

Submissions (8):

Blueprint Genetics
Classification: Likely benign. Last evaluated: 2024-10-24. Review status: criteria provided, single submitter. Criteria: ACMG Guidelines, 2015. Collection method: clinical testing. Allele origin: germline.

CeGaT Center for Human Genetics Tuebingen
Classification: Likely benign. Last evaluated: 2022-11-01. Review status: criteria provided, single submitter. Criteria: CeGaT Center For Human Genetics Tuebingen Variant Classification Criteria Version 2. Collection method: clinical testing. Allele origin: germline. Affected: yes. Observed: 1 variant allele.
Comment: HNF1B: BP4, BS2

Labcorp Genetics (formerly Invitae), Labcorp
Classification: Uncertain significance. Last evaluated: 2022-07-04. Review status: criteria provided, single submitter. Criteria: Invitae Variant Classification Sherloc (09022015). Collection method: clinical testing. Allele origin: germline.
Comment: This sequence change falls in intron 1 of the HNF1B gene. It does not directly change the encoded amino acid sequence of the HNF1B protein. This variant is present in population databases (rs200590728, gnomAD 0.03%), and has an allele count higher than expected for a pathogenic variant. This variant has been observed in individual(s) with clinical features of diabetes (PMID: 27913849). ClinVar contains an entry for this variant (Variation ID: 598393). Algorithms developed to predict the effect of sequence changes on RNA splicing suggest that this variant is not likely to affect RNA splicing. In summary, the available evidence is currently insufficient to determine the role of this variant in disease. Therefore, it has been classified as a Variant of Uncertain Significance.

Eurofins Ntd Llc (ga)
Classification: Uncertain significance. Last evaluated: 2018-08-14. Review status: criteria provided, single submitter. Criteria: EGL ClinVar v180209 classification definitions. Collection method: clinical testing. Allele origin: germline. Observed: 1 variant allele, 1 heterozygote.

Illumina Laboratory Services, Illumina
Classification: Benign for Renal cysts and diabetes syndrome. Last evaluated: 2017-04-28. Review status: criteria provided, single submitter. Criteria: ICSL Variant Classification Criteria 13 December 2019. Collection method: clinical testing. Allele origin: germline.
Comment: This variant was observed as part of a predisposition screen in an ostensibly healthy population. A literature search was performed for the gene, cDNA change, and amino acid change (where applicable). Publications were found based on this search. The evidence from the literature, in combination with allele frequency data from public databases where available, was sufficient to rule this variant out of causing disease. Therefore, this variant is classified as benign.

Clinical Genomics, Uppaluri K&H Personalized Medicine Clinic
Classification: Uncertain significance for Maturity-onset diabetes of the young. Review status: criteria provided, single submitter. Criteria: K & H Uppaluri Personalized Medicine Clinic Variant Classification & Assertion Criteria_Updated V.1. Collection method: research. Allele origin: unknown. Inheritance: Autosomal dominant inheritance.
Comment: HNF1B gene mutations are associated with early onset diabetes and pancreatic atrophy. It is also associated with multiple renal manifestations including renal cysts, Tubulointerstitial disease, glomerulocystic disease, renal hypoplasia, hypomagnesemia. However no sufficient evidence is found to ascertain the role of this particular variant rs200590728, yet.

Genome Diagnostics Laboratory, University Medical Center Utrecht
Classification: Likely benign. Review status: no assertion criteria provided. Collection method: clinical testing. Allele origin: germline. Affected: yes. Study: VKGL Data-share Consensus. Not counted in ClinVar's aggregate classification.

Laboratory of Diagnostic Genome Analysis, Leiden University Medical Center (LUMC)
Classification: Likely benign. Review status: no assertion criteria provided. Collection method: clinical testing. Allele origin: germline. Affected: yes. Study: VKGL Data-share Consensus. Not counted in ClinVar's aggregate classification.

Literature cited by the submitters: PubMed 27913849 (cited by Labcorp Genetics (formerly Invitae), Labcorp and Illumina Laboratory Services, Illumina); PubMed 24897035 (cited by Clinical Genomics, Uppaluri K&H Personalized Medicine Clinic); PubMed 25536396 (cited by Clinical Genomics, Uppaluri K&H Personalized Medicine Clinic); PubMed 27615128 (cited by Clinical Genomics, Uppaluri K&H Personalized Medicine Clinic); PubMed 28215227 (cited by Clinical Genomics, Uppaluri K&H Personalized Medicine Clinic); PubMed 33434175 (cited by Clinical Genomics, Uppaluri K&H Personalized Medicine Clinic); PubMed 25741167 (cited by Clinical Genomics, Uppaluri K&H Personalized Medicine Clinic); PubMed 26340261 (cited by Clinical Genomics, Uppaluri K&H Personalized Medicine Clinic); PubMed 19639018 (cited by Clinical Genomics, Uppaluri K&H Personalized Medicine Clinic).